The following is an entry in ClinVar:

NM_001105206.3(LAMA4):c.1087G>C (p.Ala363Pro)

Gene: LAMA4 (laminin subunit alpha 4; minus strand). Cytogenetic location: 6q21.
Variant type: single nucleotide variant.
Coding change: c.1087G>C on transcript NM_001105206.3 (MANE Select); coding-DNA position 1087, G replaced by C.
Protein change: p.Ala363Pro; replaces alanine 363 with proline.
Molecular consequence: missense variant.
Genome position (GRCh38, 1-based): chr6:112,178,223, C>G on the plus strand (G>C on the coding strand, the complement: LAMA4 is on the minus strand). VCF-style: chr6-112178223-C-G. GRCh37 (hg19) VCF-style: chr6-112499425-C-G.
Other names: c.1066G>C (LRG_433t2); c.1066G>C, p.Ala356Pro (NM_001105207.3, NM_002290.5); short protein forms A356P, A363P.
Identifiers: ClinVar variation 191690 (VCV000191690.1), dbSNP rs201431982, ClinGen allele CA237276.

ClinVar aggregate classification (germline): Uncertain significance (1 of 4 stars; one submission).

Submission:

Biesecker Lab/Clinical Genomics Section, National Institutes of Health
Classification: Uncertain significance. Last evaluated: 2013-06-24. Review status: criteria provided, single submitter. Criteria: Ng et al. (Circ Cardiovasc Genet. 2013). Collection method: research. Allele origin: unknown. Observed: 1 variant allele. Study: ClinSeq.
Comment: The study set was not selected for affection status in relation to any cancer. Pathogenicity categories were based on literature curation. See Pubmed ID:23861362 for details.

Medical sequencing